The following is an entry in ClinVar:

ClinVar aggregate classification (germline): Uncertain significance (1 of 4 stars; one submission).

Conditions:
Cataract 15 multiple types. Also called: CATARACT 15, LAMELLAR WITH SUTURAL OPACITIES. Identifiers: Orphanet 91492, MedGen C3809001, MONDO:0014110, OMIM 615274.

Allele frequency attached by ClinVar (database versions not stated): gnomAD exomes 0.00001.
gnomAD v4.1: 10 of 1,612,818 alleles (0.00062%); highest among the groups gnomAD compares: Non-Finnish European, 0.00017%; no homozygotes.

Submission:

Labcorp Genetics (formerly Invitae), Labcorp
Classification: Uncertain significance for Cataract 15 multiple types. Last evaluated: 2021-05-31. Review status: criteria provided, single submitter. Criteria: Invitae Variant Classification Sherloc (09022015). Collection method: clinical testing. Allele origin: germline.
Comment: In summary, the available evidence is currently insufficient to determine the role of this variant in disease. Therefore, it has been classified as a Variant of Uncertain Significance. Algorithms developed to predict the effect of missense changes on protein structure and function (SIFT, PolyPhen-2, Align-GVGD) all suggest that this variant is likely to be tolerated, but these predictions have not been confirmed by published functional studies and their clinical significance is uncertain. This variant has not been reported in the literature in individuals with MIP-related conditions. This variant is not present in population databases (ExAC no frequency). This sequence change replaces histidine with arginine at codon 40 of the MIP protein (p.His40Arg). The histidine residue is moderately conserved and there is a small physicochemical difference between histidine and arginine.

NM_012064.4(MIP):c.119A>G (p.His40Arg)

Gene: MIP (major intrinsic protein of lens fiber; minus strand). Cytogenetic location: 12q13.3.
Variant type: single nucleotide variant.
Coding change: c.119A>G on transcript NM_012064.4 (MANE Select); coding-DNA position 119, A replaced by G.
Protein change: p.His40Arg; replaces histidine 40 with arginine.
Molecular consequence: missense variant.
Genome position (GRCh38, 1-based): chr12:56,454,495, T>C on the plus strand (A>G on the coding strand, the complement: MIP is on the minus strand). VCF-style: chr12-56454495-T-C. GRCh37 (hg19) VCF-style: chr12-56848279-T-C.
Other names: short protein forms H40R.
Identifiers: ClinVar variation 1469523 (VCV001469523.6), dbSNP rs1436119727, ClinGen allele CA385274520.
Genomic context (GRCh38, chr12:56,454,495, plus strand): 5'-CCCACAGACTGCACCAGTGTAGCCAGGGCCAAGCCAAATGCCATAGCCACCTGCAGAACA[T>C]GCAGGGGTCCAGGAGCCCAGCGCAGTGAGGACCCCAGCCCAAAGAAGACATAGAAGAGGG-3'
Protein context (NP_036196.1, residues 30-50): SSLRWAPGPL[His40Arg]VLQVAMAFGL